The following is an entry in ClinVar:

ClinVar aggregate classification (germline): Pathogenic (1 of 4 stars; one submission).

Conditions:
Leber congenital amaurosis 8 (LCA8). Identifiers: Orphanet 65, MedGen C3151202, MONDO:0013453, OMIM 613835.
Retinitis pigmentosa 12 (RP12). Also called: RP WITH OR WITHOUT PRESERVED PARAARTERIOLE RETINAL PIGMENT EPITHELIUM; RETINITIS PIGMENTOSA WITH OR WITHOUT PARAARTERIOLAR PRESERVATION OF RETINAL PIGMENT EPITHELIUM; RP WITH OR WITHOUT PPRPE. Identifiers: Orphanet 791, MedGen C1838647, MONDO:0010818, OMIM 600105.

gnomAD v4.1: 1 of 1,614,112 alleles (0.000062%); highest among the groups gnomAD compares: Non-Finnish European, 0.000085%; no homozygotes.

Submission:

Labcorp Genetics (formerly Invitae), Labcorp
Classification: Pathogenic for Leber congenital amaurosis 8; Retinitis pigmentosa 12. Last evaluated: 2024-03-20. Review status: criteria provided, single submitter. Criteria: Invitae Variant Classification Sherloc (09022015). Collection method: clinical testing. Allele origin: germline.
Comment: This sequence change replaces glycine, which is neutral and non-polar, with alanine, which is neutral and non-polar, at codon 333 of the CRB1 protein (p.Gly333Ala). This variant is not present in population databases (gnomAD no frequency). This missense change has been observed in individual(s) with retinitis pigmentosa (PMID: 25412400). In at least one individual the data is consistent with being in trans (on the opposite chromosome) from a pathogenic variant. ClinVar contains an entry for this variant (Variation ID: 1457840). Advanced modeling of protein sequence and biophysical properties (such as structural, functional, and spatial information, amino acid conservation, physicochemical variation, residue mobility, and thermodynamic stability) performed at Invitae indicates that this missense variant is expected to disrupt CRB1 protein function with a positive predictive value of 95%. This variant disrupts the p.Gly333 amino acid residue in CRB1. Other variant(s) that disrupt this residue have been determined to be pathogenic (PMID: 21602930; Invitae). This suggests that this residue is clinically significant, and that variants that disrupt this residue are likely to be disease-causing. For these reasons, this variant has been classified as Pathogenic.

Literature cited by the submitters: PubMed 25412400; PubMed 21602930.

NM_201253.3(CRB1):c.998G>C (p.Gly333Ala)

Gene: CRB1 (crumbs cell polarity complex component 1; plus strand). Cytogenetic location: 1q31.3.
Variant type: single nucleotide variant.
Coding change: c.998G>C on transcript NM_201253.3 (MANE Select); coding-DNA position 998, G replaced by C.
Protein change: p.Gly333Ala; replaces glycine 333 with alanine.
Molecular consequence: missense variant. On other transcripts: non-coding transcript variant (2).
Genome position (GRCh38, 1-based): chr1:197,356,840, G>C. VCF-style: chr1-197356840-G-C. GRCh37 (hg19) VCF-style: chr1-197325970-G-C.
Other names: c.662G>C, p.Gly221Ala (NM_001193640.2); c.791G>C, p.Gly264Ala (NM_001257965.2); c.998G>C, p.Gly333Ala (NM_001257966.2); short protein forms G221A, G333A, G264A.
Identifiers: ClinVar variation 1457840 (VCV001457840.6), dbSNP rs587783015, ClinGen allele CA344084316.